The following is an entry in ClinVar:

NC_000007.13:g.(?_147259210)_(147336418_?)dup

Gene: CNTNAP2 (contactin associated protein 2; plus strand). Cytogenetic location: 7q35.
Variant type: Duplication.
Identifiers: ClinVar variation 2425902 (VCV002425902.6).

ClinVar aggregate classification (germline): Uncertain significance (1 of 4 stars; one submission).

Conditions:
Cortical dysplasia-focal epilepsy syndrome (PTHSL1). Also called: Pitt-Hopkins-like syndrome 1. Identifiers: Orphanet 163681, Orphanet 221150, MedGen C2750246, MONDO:0012400, OMIM 610042.

Submission:

Labcorp Genetics (formerly Invitae), Labcorp
Classification: Uncertain significance for Cortical dysplasia-focal epilepsy syndrome. Last evaluated: 2023-11-27. Review status: criteria provided, single submitter. Criteria: Invitae Variant Classification Sherloc (09022015). Collection method: clinical testing. Allele origin: germline.
Comment: This variant results in a copy number gain of the genomic region encompassing exon(s) 12-13 of the CNTNAP2 gene. While the exact position of this variant cannot be determined from the data, sub-genic copy number gains are generally in tandem (PMID: 25640679). This variant is predicted to be in-frame, and likely preserves the integrity of the reading frame. This variant has not been reported in the literature in individuals affected with CNTNAP2-related conditions. Experimental studies and prediction algorithms are not available or were not evaluated, and the functional significance of this variant is currently unknown. In summary, the available evidence is currently insufficient to determine the role of this variant in disease. Therefore, it has been classified as a Variant of Uncertain Significance.

Literature cited by the submitters: PubMed 25640679.